The following is an entry in ClinVar:

ClinVar aggregate classification (germline): Uncertain significance (1 of 4 stars; one submission).

Submission:

Ambry Genetics
Classification: Uncertain significance. Last evaluated: 2022-08-01. Review status: criteria provided, single submitter. Criteria: Ambry Variant Classification Scheme 2023. Collection method: clinical testing. Allele origin: germline.
Comment: The p.K568R variant (also known as c.1703A>G), located in coding exon 3 of the ALPK2 gene, results from an A to G substitution at nucleotide position 1703. The lysine at codon 568 is replaced by arginine, an amino acid with highly similar properties. This amino acid position is conserved. In addition, this alteration is predicted to be tolerated by in silico analysis. Since supporting evidence is limited at this time, the clinical significance of this alteration remains unclear.

NM_052947.4(ALPK2):c.1703A>G (p.Lys568Arg)

Gene: ALPK2 (alpha kinase 2; minus strand). Cytogenetic location: 18q21.31.
Variant type: single nucleotide variant.
Coding change: c.1703A>G on transcript NM_052947.4 (MANE Select); coding-DNA position 1703, A replaced by G.
Protein change: p.Lys568Arg; replaces lysine 568 with arginine.
Molecular consequence: missense variant.
Genome position (GRCh38, 1-based): chr18:58,579,073, T>C on the plus strand (A>G on the coding strand, the complement: ALPK2 is on the minus strand). VCF-style: chr18-58579073-T-C. GRCh37 (hg19) VCF-style: chr18-56246305-T-C.
Other names: short protein forms K568R.
Identifiers: ClinVar variation 1778387 (VCV001778387.2), dbSNP rs2051939510, ClinGen allele CA402560736.